The following is an entry in ClinVar:

NM_000059.4(BRCA2):c.3096del (p.Asp1033fs)

Gene: BRCA2 (BRCA2 DNA repair associated; plus strand). Cytogenetic location: 13q13.1.
Variant type: Deletion.
Coding change: c.3096del on transcript NM_000059.4 (MANE Select); coding-DNA position 3096, one base deleted (A; older notation c.3096delA).
Protein change: p.Asp1033fs; shifts the reading frame from aspartic acid 1033.
Molecular consequence: frameshift variant.
Genome position (GRCh38, 1-based): chr13:32,337,451, A deleted; the last of 3 consecutive A bases (chr13:32,337,449-32,337,451); deleting any one gives the same sequence. VCF-style (leftmost placement, unchanged base first): chr13-32337448-CA-C. GRCh37 (hg19) VCF-style: chr13-32911585-CA-C.
Other names: c.3096delA (NM_000059.3); short protein forms D1033fs.
Identifiers: ClinVar variation 431300 (VCV000431300.1), dbSNP rs1135401898, ClinGen allele CA645372952.

ClinVar aggregate classification (germline): Pathogenic. Review status: reviewed by expert panel (3 of 4 stars). 2 submissions from 2 submitters: Pathogenic (1). 1 of the submissions does not count toward it. Last evaluated 2017-12-15.

Conditions:
Breast-ovarian cancer, familial, susceptibility to, 2 (BROVCA2). Also called: BRCA2 Hereditary Breast and Ovarian Cancer. Identifiers: Orphanet 145, MedGen C2675520, MONDO:0012933, OMIM 612555. Disease mechanism: loss of function.
Hereditary breast ovarian cancer syndrome. Also called: BRCA1- and BRCA2-Associated Hereditary Breast and Ovarian Cancer; Hereditary breast and/or ovarian cancer syndrome; Hereditary breast and ovarian cancer; Hereditary breast and ovarian cancer syndrome; Hereditary breast and ovarian cancer syndrome (HBOC); Breast and ovarian cancer. Identifiers: Orphanet 145, MedGen C0677776, MeSH D061325, MONDO:0003582. Disease mechanism: loss of function.

Submissions (2):

Evidence-based Network for the Interpretation of Germline Mutant Alleles (ENIGMA)
Classification: Pathogenic for Breast-ovarian cancer, familial, susceptibility to, 2. Last evaluated: 2017-12-15. Review status: reviewed by expert panel. Criteria: ENIGMA BRCA1/2 Classification Criteria (2017-06-29). Collection method: curation. Allele origin: germline. Study: ENIGMA.
Comment: Variant allele predicted to encode a truncated non-functional protein.

Research Molecular Genetics Laboratory, Women's College Hospital, University of Toronto
Classification: Pathogenic for Hereditary breast ovarian cancer syndrome. Last evaluated: 2014-01-31. Review status: no assertion criteria provided. Collection method: research. Allele origin: germline. Affected: yes. Study: The Canadian Open Genetics Repository (COGR). Not counted in ClinVar's aggregate classification.